The following is an entry in ClinVar:

NM_032578.4(MYPN):c.2566C>T (p.Pro856Ser)

Gene: MYPN (myopalladin; plus strand). Cytogenetic location: 10q21.3.
Variant type: single nucleotide variant.
Coding change: c.2566C>T on transcript NM_032578.4 (MANE Select); coding-DNA position 2566, C replaced by T.
Protein change: p.Pro856Ser; replaces proline 856 with serine.
Molecular consequence: missense variant. On other transcripts: non-coding transcript variant (1).
Genome position (GRCh38, 1-based): chr10:68,175,324, C>T. VCF-style: chr10-68175324-C-T. GRCh37 (hg19) VCF-style: chr10-69935081-C-T.
Other names: c.2566C>T, p.Pro856Ser (NM_001256267.2); c.1684C>T, p.Pro562Ser (NM_001256268.2); short protein forms P562S, P856S.
Identifiers: ClinVar variation 4841983 (VCV004841983.1).

ClinVar aggregate classification (germline): Uncertain significance (1 of 4 stars; one submission).

Conditions:
Cardiovascular phenotype. Identifiers: MedGen CN230736.

Submission:

Ambry Genetics
Classification: Uncertain significance for Cardiovascular phenotype. Last evaluated: 2026-01-06. Review status: criteria provided, single submitter. Criteria: Ambry Variant Classification Scheme 2023. Collection method: clinical testing. Allele origin: germline.
Comment: The p.P856S variant (also known as c.2566C>T), located in coding exon 11 of the MYPN gene, results from a C to T substitution at nucleotide position 2566. The proline at codon 856 is replaced by serine, an amino acid with similar properties. This amino acid position is conserved. In addition, this alteration is predicted to be tolerated by in silico analysis. Based on the available evidence, the clinical significance of this variant remains unclear.